The following is an entry in ClinVar:

ClinVar aggregate classification (germline): Uncertain significance (1 of 4 stars; one submission).

Allele frequency attached by ClinVar (database versions not stated): gnomAD exomes below 0.00001.
gnomAD v4.1: 1 of 1,614,090 alleles (0.000062%); highest among the groups gnomAD compares: Non-Finnish European, 0.000085%; no homozygotes.

Submission:

Labcorp Genetics (formerly Invitae), Labcorp
Classification: Uncertain significance. Last evaluated: 2023-09-08. Review status: criteria provided, single submitter. Criteria: Invitae Variant Classification Sherloc (09022015). Collection method: clinical testing. Allele origin: germline.
Comment: This sequence change replaces proline, which is neutral and non-polar, with serine, which is neutral and polar, at codon 467 of the RFWD3 protein (p.Pro467Ser). This variant is not present in population databases (gnomAD no frequency). This variant has not been reported in the literature in individuals affected with RFWD3-related conditions. An algorithm developed to predict the effect of missense changes on protein structure and function (PolyPhen-2) suggests that this variant is likely to be disruptive. In summary, the available evidence is currently insufficient to determine the role of this variant in disease. Therefore, it has been classified as a Variant of Uncertain Significance.

NM_018124.4(RFWD3):c.1399C>T (p.Pro467Ser)

Gene: RFWD3 (ring finger and WD repeat domain 3; minus strand). Cytogenetic location: 16q23.1.
Variant type: single nucleotide variant.
Coding change: c.1399C>T on transcript NM_018124.4 (MANE Select); coding-DNA position 1399, C replaced by T.
Protein change: p.Pro467Ser; replaces proline 467 with serine.
Molecular consequence: missense variant.
Genome position (GRCh38, 1-based): chr16:74,636,373, G>A on the plus strand (C>T on the coding strand, the complement: RFWD3 is on the minus strand). VCF-style: chr16-74636373-G-A. GRCh37 (hg19) VCF-style: chr16-74670271-G-A.
Other names: c.1399C>T, p.Pro467Ser (NM_001370534.1, NM_001370535.1, NM_001370536.1); c.565C>T, p.Pro189Ser (NM_001370537.1, NM_001370539.1, NM_001370540.1 and 3 more transcripts); short protein forms P467S, P189S.
Identifiers: ClinVar variation 2758951 (VCV002758951.3), dbSNP rs1959197374, ClinGen allele CA396761419.